The following is an entry in ClinVar:

NM_015161.3(ARL6IP1):c.112C>T (p.Arg38Ter)

Gene: ARL6IP1 (ARL6 interacting reticulophagy regulator 1; minus strand). Cytogenetic location: 16p12.3.
Variant type: single nucleotide variant.
Coding change: c.112C>T on transcript NM_015161.3 (MANE Select); coding-DNA position 112, C replaced by T.
Protein change: p.Arg38Ter; replaces arginine 38 with a stop codon.
Molecular consequence: nonsense.
Genome position (GRCh38, 1-based): chr16:18,798,759, G>A on the plus strand (C>T on the coding strand, the complement: ARL6IP1 is on the minus strand). VCF-style: chr16-18798759-G-A. GRCh37 (hg19) VCF-style: chr16-18810081-G-A.
Other names: c.25C>T, p.Arg9Ter (NM_001313858.1); short protein forms R38*, R9*.
Identifiers: ClinVar variation 3024197 (VCV003024197.5), dbSNP rs1428321490, ClinGen allele CA394913080.

ClinVar aggregate classification (germline): Pathogenic. Review status: criteria provided, multiple submitters, no conflicts (2 of 4 stars). 3 submissions from 3 submitters: Pathogenic (2). 1 of the submissions does not count toward it. Last evaluated 2024-08-06.

Conditions:
Hereditary spastic paraplegia 61. Also called: Spastic paraplegia 61, autosomal recessive. Identifiers: Orphanet 401780, MedGen C3810294, MONDO:0014304, OMIM 615685.

Allele frequency attached by ClinVar (database versions not stated): gnomAD 0.00001; TOPMed 0.00001.

Submissions (3):

3billion
Classification: Pathogenic for Hereditary spastic paraplegia 61. Last evaluated: 2024-08-06. Review status: criteria provided, single submitter. Criteria: ACMG Guidelines, 2015. Collection method: clinical testing. Allele origin: germline. Affected: yes.
Comment: The variant is observed at an extremely low frequency in the gnomAD v4.0.0 dataset (total allele frequency: <0.001%). Predicted Consequence/Location: Stop-gained (nonsense): predicted to result in a loss or disruption of normal protein function through nonsense-mediated decay (NMD) or protein truncation. Multiple pathogenic variants are reported downstream of the variant. The variant has been reported at least twice as pathogenic without evidence for the classification (ClinVar ID: VCV003024197 /PMID: 27848944). Therefore, this variant is classified as Pathogenic according to the recommendation of ACMG/AMP guideline.

Genomic Medicine Center of Excellence, King Faisal Specialist Hospital and Research Centre
Classification: Pathogenic for Hereditary spastic paraplegia 61. Last evaluated: 2024-03-17. Review status: criteria provided, single submitter. Criteria: ACMG Guidelines, 2015. Collection method: research. Allele origin: germline.

OMIM
Classification: Pathogenic for SPASTIC PARAPLEGIA 61, AUTOSOMAL RECESSIVE. Last evaluated: 2024-02-26. Review status: no assertion criteria provided. Collection method: literature only. Allele origin: germline. Not counted in ClinVar's aggregate classification.

Literature cited by the submitters: PubMed 27848944 (cited by 3billion); PubMed 30237576 (cited by OMIM); PubMed 31272422 (cited by OMIM).